The following is an entry in ClinVar:

NM_001256007.3(PNPLA8):c.559C>T (p.Arg187Cys)

Gene: PNPLA8 (patatin like domain 8, phospholipase A2; minus strand). Cytogenetic location: 7q31.1.
Variant type: single nucleotide variant.
Coding change: c.559C>T on transcript NM_001256007.3 (MANE Select); coding-DNA position 559, C replaced by T.
Protein change: p.Arg187Cys; replaces arginine 187 with cysteine.
Molecular consequence: missense variant.
Genome position (GRCh38, 1-based): chr7:108,514,933, G>A on the plus strand (C>T on the coding strand, the complement: PNPLA8 is on the minus strand). VCF-style: chr7-108514933-G-A. GRCh37 (hg19) VCF-style: chr7-108155377-G-A.
Other names: p.Arg187Cys; c.559C>T, p.Arg187Cys (NM_001256008.3, NM_001256009.3, NM_015723.5); c.259C>T, p.Arg87Cys (NM_001256010.3, NM_001256011.3); short protein forms R187C, R87C.
Identifiers: ClinVar variation 634462 (VCV000634462.38), dbSNP rs139626312, ClinGen allele CA4439800.

ClinVar aggregate classification (germline): Conflicting classifications of pathogenicity. Review status: criteria provided, conflicting classifications (1 of 4 stars). 5 submissions from 5 submitters: Uncertain significance (1); Benign (1); Likely benign (2). 1 of the submissions does not count toward it. Last evaluated 2026-04-01.

Conditions:
PNPLA8-related disorder. Also called: PNPLA8-related condition.
Mitochondrial myopathy-lactic acidosis-deafness syndrome. Identifiers: Orphanet 2597, MedGen C1855033, MONDO:0016825, OMIM 251950.

Allele frequency attached by ClinVar (database versions not stated): 1000 Genomes Project 0.00140; 1000 Genomes Project 30x 0.00141; gnomAD exomes 0.00273 and 0.00490; TOPMed 0.00276; ExAC 0.00292; gnomAD 0.00302 and 0.00311; ESP Exome Variant Server 0.00377.
gnomAD v4.1: 7,554 of 1,609,228 alleles (0.47%); highest among the groups gnomAD compares: Non-Finnish European, 0.58%; 29 homozygotes.

Submissions (5):

CeGaT Center for Human Genetics Tuebingen
Classification: Likely benign. Last evaluated: 2026-04-01. Review status: criteria provided, single submitter. Criteria: CeGaT Center For Human Genetics Tuebingen Variant Classification Criteria Version 2. Collection method: clinical testing. Allele origin: germline. Affected: yes. Observed: 7 variant alleles.
Comment: PNPLA8: BS2

Labcorp Genetics (formerly Invitae), Labcorp
Classification: Likely benign. Last evaluated: 2026-01-24. Review status: criteria provided, single submitter. Criteria: Invitae Variant Classification Sherloc (09022015). Collection method: clinical testing. Allele origin: germline.

Mayo Clinic Laboratories, Mayo Clinic
Classification: Benign. Last evaluated: 2023-06-05. Review status: criteria provided, single submitter. Criteria: ACMG Guidelines, 2015. Collection method: clinical testing. Allele origin: germline. Observed: 7 variant alleles.
Comment: BS1, BS2

Genomic Research Center, Shahid Beheshti University of Medical Sciences
Classification: Uncertain significance for Mitochondrial myopathy with lactic acidosis. Last evaluated: 2019-01-01. Review status: criteria provided, single submitter. Criteria: ACMG Guidelines, 2015. Collection method: clinical testing. Allele origin: inherited. Affected: yes. Observed: 1 variant allele.

PreventionGenetics, part of Exact Sciences
Classification: Likely benign for PNPLA8-related condition. Last evaluated: 2022-01-31. Review status: no assertion criteria provided. Collection method: clinical testing. Allele origin: germline. Not counted in ClinVar's aggregate classification.
Comment: This variant is classified as likely benign based on ACMG/AMP sequence variant interpretation guidelines (Richards et al. 2015 PMID: 25741868, with internal and published modifications).